The following is an entry in ClinVar:

ClinVar aggregate classification (germline): Uncertain significance (1 of 4 stars; one submission).

gnomAD v4.1: 23 of 1,537,078 alleles (0.0015%); highest among the groups gnomAD compares: Non-Finnish European, 0.0019%; no homozygotes.

Submission:

Labcorp Genetics (formerly Invitae), Labcorp
Classification: Uncertain significance. Last evaluated: 2024-02-03. Review status: criteria provided, single submitter. Criteria: Invitae Variant Classification Sherloc (09022015). Collection method: clinical testing. Allele origin: germline.
Comment: This sequence change replaces proline, which is neutral and non-polar, with leucine, which is neutral and non-polar, at codon 34 of the ZBTB20 protein (p.Pro34Leu). This variant is present in population databases (no rsID available, gnomAD 0.005%). This variant has not been reported in the literature in individuals affected with ZBTB20-related conditions. Advanced modeling of protein sequence and biophysical properties (such as structural, functional, and spatial information, amino acid conservation, physicochemical variation, residue mobility, and thermodynamic stability) has been performed at Invitae for this missense variant, however the output from this modeling did not meet the statistical confidence thresholds required to predict the impact of this variant on ZBTB20 protein function. In summary, the available evidence is currently insufficient to determine the role of this variant in disease. Therefore, it has been classified as a Variant of Uncertain Significance.

NM_001348800.3(ZBTB20):c.101C>T (p.Pro34Leu)

Genes: ZBTB20 (zinc finger and BTB domain containing 20; minus strand), ZBTB20-AS1 (ZBTB20 antisense RNA 1; plus strand). Cytogenetic location: 3q13.31.
Variant type: single nucleotide variant.
Coding change: c.101C>T on transcript NM_001348800.3 (MANE Select); coding-DNA position 101, C replaced by T.
Protein change: p.Pro34Leu; replaces proline 34 with leucine.
Molecular consequence: missense variant. On other transcripts: 5 prime UTR variant (12), non-coding transcript variant (1).
Genome position (GRCh38, 1-based): chr3:114,380,315, G>A on the plus strand (C>T on the coding strand, the complement: ZBTB20 is on the minus strand). VCF-style: chr3-114380315-G-A. GRCh37 (hg19) VCF-style: chr3-114099162-G-A.
Other names: c.-119C>T (NM_001393395.1, NM_001393396.1, NM_015642.7 and 9 more transcripts); c.101C>T, p.Pro34Leu (NM_001348803.3, NM_001393393.1, NM_001393394.1 and 1 more transcripts); short protein forms P34L.
Identifiers: ClinVar variation 3604545 (VCV003604545.2).